The following is an entry in ClinVar:

ClinVar aggregate classification (germline): Uncertain significance. Review status: criteria provided, multiple submitters, no conflicts (2 of 4 stars). 2 submissions from 2 submitters: Uncertain significance (2). Last evaluated 2025-09-26.

Allele frequency attached by ClinVar (database versions not stated): gnomAD 0.00004; ESP Exome Variant Server 0.00015.
gnomAD v4.1: 192 of 1,562,680 alleles (0.012%); highest among the groups gnomAD compares: Non-Finnish European, 0.015%; no homozygotes.

Submissions (2):

Ambry Genetics
Classification: Uncertain significance. Last evaluated: 2025-09-26. Review status: criteria provided, single submitter. Criteria: Ambry Variant Classification Scheme 2023. Collection method: clinical testing. Allele origin: germline.

Labcorp Genetics (formerly Invitae), Labcorp
Classification: Uncertain significance. Last evaluated: 2022-05-25. Review status: criteria provided, single submitter. Criteria: Invitae Variant Classification Sherloc (09022015). Collection method: clinical testing. Allele origin: germline.
Comment: This sequence change replaces proline, which is neutral and non-polar, with serine, which is neutral and polar, at codon 56 of the LRRC56 protein (p.Pro56Ser). This variant is present in population databases (rs372922076, gnomAD 0.01%). This variant has not been reported in the literature in individuals affected with LRRC56-related conditions. Algorithms developed to predict the effect of missense changes on protein structure and function are either unavailable or do not agree on the potential impact of this missense change (SIFT: "Deleterious"; PolyPhen-2: "Probably Damaging"; Align-GVGD: "Class C0"). In summary, the available evidence is currently insufficient to determine the role of this variant in disease. Therefore, it has been classified as a Variant of Uncertain Significance.

NM_198075.4(LRRC56):c.166C>T (p.Pro56Ser)

Gene: LRRC56 (leucine rich repeat containing 56; plus strand). Cytogenetic location: 11p15.5.
Variant type: single nucleotide variant.
Coding change: c.166C>T on transcript NM_198075.4 (MANE Select); coding-DNA position 166, C replaced by T.
Protein change: p.Pro56Ser; replaces proline 56 with serine.
Molecular consequence: missense variant.
Genome position (GRCh38, 1-based): chr11:540,850, C>T. VCF-style: chr11-540850-C-T. GRCh37 (hg19) VCF-style: chr11-540850-C-T.
Other names: c.166C>T (NM_198075.3); short protein forms P56S.
Identifiers: ClinVar variation 1352988 (VCV001352988.7), dbSNP rs372922076, ClinGen allele CA5779511.